The following is an entry in ClinVar:

NM_001376.5(DYNC1H1):c.8738A>T (p.Asn2913Ile)

Gene: DYNC1H1 (dynein cytoplasmic 1 heavy chain 1; plus strand). Cytogenetic location: 14q32.31.
Variant type: single nucleotide variant.
Coding change: c.8738A>T on transcript NM_001376.5 (MANE Select); coding-DNA position 8738, A replaced by T.
Protein change: p.Asn2913Ile; replaces asparagine 2913 with isoleucine.
Molecular consequence: missense variant.
Genome position (GRCh38, 1-based): chr14:102,026,674, A>T. VCF-style: chr14-102026674-A-T. GRCh37 (hg19) VCF-style: chr14-102493011-A-T.
Other names: short protein forms N2913I.
Identifiers: ClinVar variation 3766189 (VCV003766189.2).

ClinVar aggregate classification (germline): Uncertain significance (1 of 4 stars; one submission).

Submission:

GeneDx
Classification: Uncertain significance. Last evaluated: 2026-05-20. Review status: criteria provided, single submitter. Criteria: GeneDx Variant Classification Process June 2021. Collection method: clinical testing. Allele origin: germline.
Comment: Not observed at significant frequency in large population cohorts (gnomAD); In silico analysis supports that this missense variant has a deleterious effect on protein structure/function; Has not been previously published as pathogenic or benign to our knowledge; This variant is associated with the following publications: (PMID: 25512093, 25609763, 26100331)